The following is an entry in ClinVar:

ClinVar aggregate classification (germline): Uncertain significance. Review status: criteria provided, multiple submitters, no conflicts (2 of 4 stars). 2 submissions from 2 submitters: Uncertain significance (2). Last evaluated 2025-06-06.

Conditions:
Inborn genetic diseases. Identifiers: MedGen C0950123, MeSH D030342.

Allele frequency attached by ClinVar (database versions not stated): TOPMed below 0.00001; gnomAD exomes 0.00001; ExAC 0.00002.
gnomAD v4.1: 16 of 1,613,646 alleles (0.00099%); highest among the groups gnomAD compares: Admixed American, 0.005%; no homozygotes.

Submissions (2):

Ambry Genetics
Classification: Uncertain significance for Inborn genetic diseases. Last evaluated: 2025-06-06. Review status: criteria provided, single submitter. Criteria: Ambry Variant Classification Scheme 2023. Collection method: clinical testing. Allele origin: germline.

GeneDx
Classification: Uncertain significance. Last evaluated: 2022-11-14. Review status: criteria provided, single submitter. Criteria: GeneDx Variant Classification Process June 2021. Collection method: clinical testing. Allele origin: germline. Affected: yes.
Comment: In silico analysis supports that this missense variant does not alter protein structure/function; Has not been previously published as pathogenic or benign to our knowledge

NM_198334.3(GANAB):c.2572C>A (p.Gln858Lys)

Gene: GANAB (glucosidase II alpha subunit; minus strand). Cytogenetic location: 11q12.3.
Variant type: single nucleotide variant.
Coding change: c.2572C>A on transcript NM_198334.3 (MANE Select); coding-DNA position 2572, C replaced by A.
Protein change: p.Gln858Lys; replaces glutamine 858 with lysine.
Molecular consequence: missense variant.
Genome position (GRCh38, 1-based): chr11:62,626,387, G>T on the plus strand (C>A on the coding strand, the complement: GANAB is on the minus strand). VCF-style: chr11-62626387-G-T. GRCh37 (hg19) VCF-style: chr11-62393859-G-T.
Other names: c.2296C>A, p.Gln766Lys (NM_001278192.2); c.2230C>A, p.Gln744Lys (NM_001278193.2); c.2281C>A, p.Gln761Lys (NM_001278194.2, NM_001329222.2, NM_001329223.2); c.1849C>A, p.Gln617Lys (NM_001329224.2, NM_001329225.2); c.2638C>A, p.Gln880Lys (NM_198335.4); c.2638C>A (NM_198335.2); short protein forms Q617K, Q744K, Q761K, Q766K, Q858K, Q880K.
Identifiers: ClinVar variation 2501872 (VCV002501872.2), dbSNP rs747888174, ClinGen allele CA6050407.